The following is an entry in ClinVar:

NM_007194.4(CHEK2):c.1212T>A (p.Tyr404Ter)

Gene: CHEK2 (checkpoint kinase 2; minus strand). Cytogenetic location: 22q12.1.
Variant type: single nucleotide variant.
Coding change: c.1212T>A on transcript NM_007194.4 (MANE Select); coding-DNA position 1212, T replaced by A.
Protein change: p.Tyr404Ter; replaces tyrosine 404 with a stop codon.
Molecular consequence: nonsense.
Genome position (GRCh38, 1-based): chr22:28,695,757, A>T on the plus strand (T>A on the coding strand, the complement: CHEK2 is on the minus strand). VCF-style: chr22-28695757-A-T. GRCh37 (hg19) VCF-style: chr22-29091745-A-T.
Other names: c.1341T>A, p.Tyr447Ter (NM_001005735.3); c.549T>A, p.Tyr183Ter (NM_001257387.3); c.1011T>A, p.Tyr337Ter (NM_001349956.3); c.1125T>A, p.Tyr375Ter (NM_145862.3); short protein forms Y404*, Y447*, Y337*, Y375*, Y183*.
Identifiers: ClinVar variation 141553 (VCV000141553.6), dbSNP rs587781836, ClinGen allele CA165763.

ClinVar aggregate classification (germline): Pathogenic. Review status: criteria provided, multiple submitters, no conflicts (2 of 4 stars). 3 submissions from 3 submitters: Pathogenic (3). Last evaluated 2025-11-26.

Conditions:
Hereditary cancer-predisposing syndrome. Also called: Neoplastic Syndromes, Hereditary; Tumor predisposition; Hereditary Cancer Syndrome; Hereditary neoplastic syndrome. Identifiers: Orphanet 140162, MedGen C0027672, MeSH D009386, MONDO:0015356.
Familial cancer of breast. Also called: BREAST CANCER, FAMILIAL; Hereditary breast cancer; hereditary breast carcinoma. Identifiers: Orphanet 227535, MedGen C0346153, MONDO:0016419, OMIM 114480. Disease mechanism: loss of function.

Submissions (3):

Labcorp Genetics (formerly Invitae), Labcorp
Classification: Pathogenic for Familial cancer of breast. Last evaluated: 2025-11-26. Review status: criteria provided, single submitter. Criteria: Invitae Variant Classification Sherloc (09022015). Collection method: clinical testing. Allele origin: germline.
Comment: This sequence change creates a premature translational stop signal (p.Tyr404*) in the CHEK2 gene. It is expected to result in an absent or disrupted protein product. Loss-of-function variants in CHEK2 are known to be pathogenic (PMID: 21876083, 24713400). This variant is not present in population databases (gnomAD no frequency). This variant has not been reported in the literature in individuals affected with CHEK2-related conditions. ClinVar contains an entry for this variant (Variation ID: 141553). RNA analysis provides insufficient evidence to determine the effect of this variant on CHEK2 splicing (internal data). For these reasons, this variant has been classified as Pathogenic.

Myriad Genetics, Inc.
Classification: Pathogenic for Familial cancer of breast. Last evaluated: 2023-06-28. Review status: criteria provided, single submitter. Criteria: Myriad Autosomal Dominant, Autosomal Recessive and X-Linked Classification Criteria (2023). Collection method: clinical testing. Allele origin: unknown.
Comment: This variant is considered pathogenic. This variant creates a termination codon and is predicted to result in premature protein truncation.

Ambry Genetics
Classification: Pathogenic for Hereditary cancer-predisposing syndrome. Last evaluated: 2015-04-15. Review status: criteria provided, single submitter. Criteria: Ambry Autosomal Dominant and X-Linked criteria (10/2015). Collection method: clinical testing. Allele origin: germline. Observed: 1 variant allele.
Comment: The p.Y404* pathogenic mutation (also known as c.1212T>A) located in coding exon 10 of the CHEK2 gene, results from a T to A substitution at nucleotide position 1212. This changes the amino acid from a tyrosine to a stop codon within coding exon 10. Since premature stop codons are typically deleterious in nature, this alteration is interpreted as a disease-causing mutation (ACMG Recommendations for Standards for Interpretation and Reporting of Sequence Variations. Revision 2007. Genet Med. 2008;10:294).

Literature cited by the submitters: PubMed 21876083 (cited by Labcorp Genetics (formerly Invitae), Labcorp); PubMed 24713400 (cited by Labcorp Genetics (formerly Invitae), Labcorp).